The following is an entry in ClinVar:

ClinVar aggregate classification (germline): Uncertain significance. Review status: criteria provided, multiple submitters, no conflicts (2 of 4 stars). 3 submissions from 3 submitters: Uncertain significance (3). Last evaluated 2025-08-30.

Conditions:
Cardiomyopathy (CMYO). Also called: Cardiomyopathies. Identifiers: Orphanet 167848, MedGen C0878544, MONDO:0004994, HP:0001638. Inheritance: Various modes of inheritance.
Catecholaminergic polymorphic ventricular tachycardia 1. Also called: VENTRICULAR TACHYCARDIA, STRESS-INDUCED POLYMORPHIC 1; VENTRICULAR TACHYCARDIA, CATECHOLAMINERGIC POLYMORPHIC, 1, WITH OR WITHOUT ATRIAL DYSFUNCTION AND/OR DILATED CARDIOMYOPATHY; RYR2-Related Catecholaminergic Polymorphic Ventricular Tachycardia. Identifiers: Orphanet 3286, MedGen C1631597, MONDO:0011484, OMIM 604772.

Submissions (3):

Color Diagnostics, LLC DBA Color Health
Classification: Uncertain significance for Cardiomyopathy. Last evaluated: 2025-08-30. Review status: criteria provided, single submitter. Criteria: ACMG Guidelines, 2015. Collection method: clinical testing. Allele origin: germline.
Comment: This missense variant replaces valine with methionine at codon 1510 of the RYR2 protein. Computational prediction suggests that this variant may not impact protein structure and function. To our knowledge, functional studies have not been reported for this variant. This variant has not been reported in individuals affected with RYR2-related disorders in the literature. This variant has not been identified in the general population by the Genome Aggregation Database (gnomAD). The available evidence is insufficient to determine the role of this variant in disease conclusively. Therefore, this variant is classified as a Variant of Uncertain Significance.

Dasa
Classification: Uncertain significance. Last evaluated: 2025-01-28. Review status: criteria provided, single submitter. Criteria: DASA Assertion Criteria. Collection method: clinical testing. Allele origin: germline.
Comment: NM_001035.3(RYR2):c.4528G>A (p.Val1510Met) is a missense variant that results in the substitution of valine with methionine. This variant is absent from population databases. Computational prediction algorithms are consistent with a benign effect. The currently available literature and clinical evidence are not sufficient to establish a definitive association between this variant and the reported condition. Therefore, this variant is classified as a variant of uncertain significance.

Labcorp Genetics (formerly Invitae), Labcorp
Classification: Uncertain significance for Catecholaminergic polymorphic ventricular tachycardia 1. Last evaluated: 2020-12-14. Review status: criteria provided, single submitter. Criteria: Invitae Variant Classification Sherloc (09022015). Collection method: clinical testing. Allele origin: germline.
Comment: In summary, the available evidence is currently insufficient to determine the role of this variant in disease. Therefore, it has been classified as a Variant of Uncertain Significance. Advanced modeling of protein sequence and biophysical properties (such as structural, functional, and spatial information, amino acid conservation, physicochemical variation, residue mobility, and thermodynamic stability) performed at Invitae indicates that this missense variant is not expected to disrupt RYR2 protein function. This variant has not been reported in the literature in individuals with RYR2-related conditions. This variant is not present in population databases (ExAC no frequency). This sequence change replaces valine with methionine at codon 1510 of the RYR2 protein (p.Val1510Met). The valine residue is highly conserved and there is a small physicochemical difference between valine and methionine.

NM_001035.3(RYR2):c.4528G>A (p.Val1510Met)

Gene: RYR2 (ryanodine receptor 2; plus strand). Cytogenetic location: 1q43.
Variant type: single nucleotide variant.
Coding change: c.4528G>A on transcript NM_001035.3 (MANE Select); coding-DNA position 4528, G replaced by A.
Protein change: p.Val1510Met; replaces valine 1510 with methionine.
Molecular consequence: missense variant.
Genome position (GRCh38, 1-based): chr1:237,595,589, G>A. VCF-style: chr1-237595589-G-A. GRCh37 (hg19) VCF-style: chr1-237758889-G-A.
Other names: short protein forms V1510M.
Identifiers: ClinVar variation 1436629 (VCV001436629.10), dbSNP rs2148475032, ClinGen allele CA345400525.